The following is an entry in ClinVar:

NM_007294.4(BRCA1):c.3147C>T (p.Ser1049=)

Gene: BRCA1 (BRCA1 DNA repair associated; minus strand). Cytogenetic location: 17q21.31.
Variant type: single nucleotide variant.
Coding change: c.3147C>T on transcript NM_007294.4 (MANE Select); coding-DNA position 3147, C replaced by T.
Protein change: p.Ser1049=; no amino-acid change (serine 1049 retained).
Molecular consequence: synonymous variant. On other transcripts: intron variant (137).
Genome position (GRCh38, 1-based): chr17:43,092,384, G>A on the plus strand (C>T on the coding strand, the complement: BRCA1 is on the minus strand). VCF-style: chr17-43092384-G-A. GRCh37 (hg19) VCF-style: chr17-41244401-G-A.
Other names: c.668-1352C>T (NM_001408424.1, NM_001408421.1, NM_001408431.1); c.785-1352C>T (NM_001408407.1, NM_001408402.1, NM_001408473.1 and 13 more transcripts); c.665-1352C>T (NM_001408443.1, NM_001408439.1, NM_001408425.1 and 12 more transcripts); c.671-1352C>T (NM_001408419.1, NM_001408422.1, NM_001408418.1 and 2 more transcripts); c.788-1352C>T (NM_001408403.1, NM_001407983.1, NM_001407975.1 and 17 more transcripts); c.791-1361C>T (NM_001408406.1); c.647-1352C>T (NM_001408456.1, NM_001408410.1, NM_001408458.1 and 11 more transcripts); c.644-1352C>T (NM_001408465.1, NM_001408463.1, NM_001408462.1 and 3 more transcripts); and 41 more.
Identifiers: ClinVar variation 2814781 (VCV002814781.4), dbSNP rs2154340127, ClinGen allele CA500232236.
Genomic context (GRCh38, chr17:43,092,384, plus strand): 5'-TTGAATGTTTTCATCACTGGAACCTATTTCATTAATACTGGAGCCCACTTCATTAGTACT[G>A]GAACCTACTTCATTAATATTGCTTGAGCTGGCTTCTTTAAAAACATTTTCTCTAATGTTA-3'
Protein context (NP_009225.1, residues 1039-1059): ASSSNINEVG[Ser1049=]STNEVGSSIN

ClinVar aggregate classification (germline): Likely benign. Review status: criteria provided, multiple submitters, no conflicts (2 of 4 stars). 2 submissions from 2 submitters: Likely benign (2). Last evaluated 2023-09-17.

Conditions:
Breast-ovarian cancer, familial, susceptibility to, 1 (BROVCA1). Also called: BRCA1 Hereditary Breast and Ovarian Cancer; OVARIAN CANCER, SUSCEPTIBILITY TO. Identifiers: Orphanet 145, MedGen C2676676, MONDO:0011450, OMIM 604370. Disease mechanism: loss of function.
Hereditary breast ovarian cancer syndrome. Also called: Hereditary breast and ovarian cancer; Hereditary breast and ovarian cancer syndrome (HBOC); BRCA1- and BRCA2-Associated Hereditary Breast and Ovarian Cancer; Hereditary breast and ovarian cancer syndrome; Breast and ovarian cancer; Hereditary breast and/or ovarian cancer syndrome. Identifiers: Orphanet 145, MedGen C0677776, MeSH D061325, MONDO:0003582. Disease mechanism: loss of function.

Submissions (2):

All of Us Research Program, National Institutes of Health
Classification: Likely benign for Breast-ovarian cancer, familial, susceptibility to, 1. Last evaluated: 2023-09-17. Review status: criteria provided, single submitter. Criteria: ACMG Guidelines, 2015. Collection method: clinical testing. Allele origin: germline. Inheritance: Autosomal dominant inheritance. Observed: 1 variant allele, 1 heterozygote.
Comment: This study involves interpretation of variants in research participants for the purpose of population health screening. Participant phenotype was not available at the time of variant classification. Additional details can be found in publication PMID: 35346344, PMCID: PMC8962531

Labcorp Genetics (formerly Invitae), Labcorp
Classification: Likely benign for Hereditary breast ovarian cancer syndrome. Last evaluated: 2022-11-16. Review status: criteria provided, single submitter. Criteria: Invitae Variant Classification Sherloc (09022015). Collection method: clinical testing. Allele origin: germline.